The following is an entry in ClinVar:

NM_001909.5(CTSD):c.304A>C (p.Asn102His)

Gene: CTSD (cathepsin D; minus strand). Cytogenetic location: 11p15.5.
Variant type: single nucleotide variant.
Coding change: c.304A>C on transcript NM_001909.5 (MANE Select); coding-DNA position 304, A replaced by C.
Protein change: p.Asn102His; replaces asparagine 102 with histidine.
Molecular consequence: missense variant.
Genome position (GRCh38, 1-based): chr11:1,759,564, T>G on the plus strand (A>C on the coding strand, the complement: CTSD is on the minus strand). VCF-style: chr11-1759564-T-G. GRCh37 (hg19) VCF-style: chr11-1780794-T-G.
Other names: short protein forms N102H.
Identifiers: ClinVar variation 1477087 (VCV001477087.6), dbSNP rs2133664207, ClinGen allele CA379098309.

ClinVar aggregate classification (germline): Uncertain significance (1 of 4 stars; one submission).

Conditions:
Neuronal ceroid lipofuscinosis. Also called: Neuronal Ceroid Lipofuscinoses. Identifiers: Orphanet 216, Orphanet 79263, MedGen C0027877, MONDO:0016295. Disease mechanism: loss of function.

Submission:

Labcorp Genetics (formerly Invitae), Labcorp
Classification: Uncertain significance for Neuronal ceroid lipofuscinosis. Last evaluated: 2025-06-20. Review status: criteria provided, single submitter. Criteria: Invitae Variant Classification Sherloc (09022015). Collection method: clinical testing. Allele origin: germline.
Comment: This sequence change replaces asparagine, which is neutral and polar, with histidine, which is basic and polar, at codon 102 of the CTSD protein (p.Asn102His). This variant is not present in population databases (gnomAD no frequency). This variant has not been reported in the literature in individuals affected with CTSD-related conditions. ClinVar contains an entry for this variant (Variation ID: 1477087). Invitae Evidence Modeling of protein sequence and biophysical properties (such as structural, functional, and spatial information, amino acid conservation, physicochemical variation, residue mobility, and thermodynamic stability) indicates that this missense variant is expected to disrupt CTSD protein function with a positive predictive value of 80%. In summary, the available evidence is currently insufficient to determine the role of this variant in disease. Therefore, it has been classified as a Variant of Uncertain Significance.